The following is an entry in ClinVar:

ClinVar aggregate classification (germline): Uncertain significance (1 of 4 stars; one submission).

Conditions:
Hereditary cancer-predisposing syndrome. Also called: Hereditary Cancer Syndrome; Hereditary neoplastic syndrome; Neoplastic Syndromes, Hereditary; Tumor predisposition. Identifiers: Orphanet 140162, MedGen C0027672, MeSH D009386, MONDO:0015356.

Submission:

Ambry Genetics
Classification: Uncertain significance for Hereditary cancer-predisposing syndrome. Last evaluated: 2025-07-19. Review status: criteria provided, single submitter. Criteria: Ambry Variant Classification Scheme 2023. Collection method: clinical testing. Allele origin: germline.
Comment: The p.P102S variant (also known as c.304C>T), located in coding exon 1 of the CDKN1B gene, results from a C to T substitution at nucleotide position 304. The proline at codon 102 is replaced by serine, an amino acid with similar properties. This amino acid position is conserved. In addition, this alteration is predicted to be tolerated by in silico analysis. Based on the available evidence, the clinical significance of this variant remains unclear.

NM_004064.5(CDKN1B):c.304C>T (p.Pro102Ser)

Gene: CDKN1B (cyclin dependent kinase inhibitor 1B; plus strand). Cytogenetic location: 12p13.1.
Variant type: single nucleotide variant.
Coding change: c.304C>T on transcript NM_004064.5 (MANE Select); coding-DNA position 304, C replaced by T.
Protein change: p.Pro102Ser; replaces proline 102 with serine.
Molecular consequence: missense variant.
Genome position (GRCh38, 1-based): chr12:12,718,143, C>T. VCF-style: chr12-12718143-C-T. GRCh37 (hg19) VCF-style: chr12-12871077-C-T.
Other names: short protein forms P102S.
Identifiers: ClinVar variation 4224751 (VCV004224751.1).